The following is an entry in ClinVar:

NM_004360.5(CDH1):c.2292C>A (p.Asp764Glu)

Gene: CDH1 (cadherin 1; plus strand). Cytogenetic location: 16q22.1.
Variant type: single nucleotide variant.
Coding change: c.2292C>A on transcript NM_004360.5 (MANE Select); coding-DNA position 2292, C replaced by A.
Protein change: p.Asp764Glu; replaces aspartic acid 764 with glutamic acid.
Molecular consequence: missense variant.
Genome position (GRCh38, 1-based): chr16:68,828,301, C>A. VCF-style: chr16-68828301-C-A. GRCh37 (hg19) VCF-style: chr16-68862204-C-A.
Other names: c.2292C>A (LRG_301t1); c.2109C>A, p.Asp703Glu (NM_001317184.2); c.744C>A, p.Asp248Glu (NM_001317185.2); c.327C>A, p.Asp109Glu (NM_001317186.2); short protein forms D764E, D109E, D248E, D703E.
Identifiers: ClinVar variation 231701 (VCV000231701.16), dbSNP rs61747636, ClinGen allele CA10580155.

ClinVar aggregate classification (germline): Uncertain significance. Review status: criteria provided, multiple submitters, no conflicts (2 of 4 stars). 6 submissions from 6 submitters: Uncertain significance (6). Last evaluated 2024-11-24.

Conditions:
Hereditary cancer-predisposing syndrome. Also called: Hereditary Cancer Syndrome; Neoplastic Syndromes, Hereditary; Tumor predisposition; Hereditary neoplastic syndrome. Identifiers: Orphanet 140162, MedGen C0027672, MeSH D009386, MONDO:0015356.
Familial cancer of breast. Also called: Hereditary breast cancer; hereditary breast carcinoma; BREAST CANCER, FAMILIAL. Identifiers: Orphanet 227535, MedGen C0346153, MONDO:0016419, OMIM 114480. Disease mechanism: loss of function.
Hereditary diffuse gastric adenocarcinoma (HDGC). Also called: DIFFUSE GASTRIC AND LOBULAR BREAST CANCER SYNDROME. Identifiers: Orphanet 26106, MedGen C1708349, MONDO:0007648, OMIM 137215.

gnomAD v4.1: 4 of 1,613,952 alleles (0.00025%); highest among the groups gnomAD compares: Non-Finnish European, 0.00034%; no homozygotes.

Submissions (6):

Labcorp Genetics (formerly Invitae), Labcorp
Classification: Uncertain significance for Hereditary diffuse gastric adenocarcinoma. Last evaluated: 2024-11-24. Review status: criteria provided, single submitter. Criteria: Invitae Variant Classification Sherloc (09022015). Collection method: clinical testing. Allele origin: germline.
Comment: This sequence change replaces aspartic acid, which is acidic and polar, with glutamic acid, which is acidic and polar, at codon 764 of the CDH1 protein (p.Asp764Glu). This variant is not present in population databases (gnomAD no frequency). This missense change has been observed in individual(s) with diffuse gastric cancer (PMID: 36509094). ClinVar contains an entry for this variant (Variation ID: 231701). An algorithm developed to predict the effect of missense changes on protein structure and function (PolyPhen-2) suggests that this variant is likely to be disruptive. In summary, the available evidence is currently insufficient to determine the role of this variant in disease. Therefore, it has been classified as a Variant of Uncertain Significance.

Color Diagnostics, LLC DBA Color Health
Classification: Uncertain significance for Hereditary cancer-predisposing syndrome. Last evaluated: 2024-10-29. Review status: criteria provided, single submitter. Criteria: ACMG Guidelines, 2015. Collection method: clinical testing. Allele origin: germline.
Comment: This missense variant replaces aspartic acid with glutamic acid at codon 764 of the CDH1 protein. To our knowledge, functional studies have not been reported for this variant. This variant has been reported in an individual with a family history of breast and gastric cancer (PMID: 36436516). This variant has not been identified in the general population by the Genome Aggregation Database (gnomAD). The available evidence is insufficient to determine the role of this variant in disease conclusively. Therefore, this variant is classified as a Variant of Uncertain Significance.

Ambry Genetics
Classification: Uncertain significance for Hereditary cancer-predisposing syndrome. Last evaluated: 2024-03-08. Review status: criteria provided, single submitter. Criteria: Ambry Variant Classification Scheme 2023. Collection method: clinical testing. Allele origin: germline.
Comment: The p.D764E variant (also known as c.2292C>A), located in coding exon 14 of the CDH1 gene, results from a C to A substitution at nucleotide position 2292. The aspartic acid at codon 764 is replaced by glutamic acid, an amino acid with highly similar properties. This variant was reported in at least one individual with features consistent with CDH1-related diffuse gastric and lobular breast cancer (DGLBC) (Garcia-Pelaez J et al. Lancet Oncol, 2023 Jan;24:91-106; Lee CYC et al. Lancet Oncol, 2023 Jan;24:107-116). This amino acid position is highly conserved in available vertebrate species. In addition, the in silico prediction for this alteration is inconclusive. Based on the available evidence, the clinical significance of this alteration remains unclear.

GeneDx
Classification: Uncertain significance. Last evaluated: 2023-11-27. Review status: criteria provided, single submitter. Criteria: GeneDx Variant Classification Process June 2021. Collection method: clinical testing. Allele origin: germline. Affected: yes.
Comment: Not observed at significant frequency in large population cohorts (gnomAD); In silico analysis supports that this missense variant has a deleterious effect on protein structure/function; Observed in two individuals from one family meeting testing criteria for HDGC and considered a Variant of Unknown Significance by the authors (PMID: 36509094); This variant is associated with the following publications: (PMID: 36436516, 28688938, 15235021, 22850631, 36509094)

Baylor Genetics
Classification: Uncertain significance for Familial cancer of breast. Last evaluated: 2023-08-04. Review status: criteria provided, single submitter. Criteria: ACMG Guidelines, 2015. Collection method: clinical testing. Allele origin: unknown.

European Reference Network on Genetic Tumour Risk Syndromes (ERN-GENTURIS), i3s - Instituto de Investigação e Inovação em Saúde, University of Porto
Classification: Uncertain significance for Hereditary diffuse gastric adenocarcinoma. Last evaluated: 2022-08-01. Review status: criteria provided, single submitter. Criteria: Lee et al. (Hum Mutat. 2018). Collection method: clinical testing. Allele origin: germline. Inheritance: Autosomal dominant inheritance. Affected: no. Study: ERN GENTURIS.
Comment: PM2 (PMID: 30311375)

Literature cited by the submitters: PubMed 36509094 (cited by Labcorp Genetics (formerly Invitae), Labcorp and Ambry Genetics); PubMed 36436516 (cited by 3 submitters); PubMed 28688938 (cited by European Reference Network on Genetic Tumour Risk Syndromes (ERN-GENTURIS), i3s - Instituto de Investigação e Inovação em Saúde, University of Porto).